The following is an entry in ClinVar:

NM_001382567.1(STIM1):c.1175G>C (p.Gly392Ala)

Gene: STIM1 (stromal interaction molecule 1; plus strand). Cytogenetic location: 11p15.4.
Variant type: single nucleotide variant.
Coding change: c.1175G>C on transcript NM_001382567.1 (MANE Select); coding-DNA position 1175, G replaced by C.
Protein change: p.Gly392Ala; replaces glycine 392 with alanine.
Molecular consequence: missense variant. On other transcripts: non-coding transcript variant (2).
Genome position (GRCh38, 1-based): chr11:4,082,919, G>C. VCF-style: chr11-4082919-G-C. GRCh37 (hg19) VCF-style: chr11-4104149-G-C.
Other names: c.1175G>C, p.Gly392Ala (NM_001277961.3, NM_001277962.2, NM_001382568.1 and 1 more transcripts); c.953G>C, p.Gly318Ala (NM_001382566.1, NM_001382573.1, NM_001382575.1 and 4 more transcripts); c.1040G>C, p.Gly347Ala (NM_001382569.1); c.947G>C, p.Gly316Ala (NM_001382570.1); c.695G>C, p.Gly232Ala (NM_001382571.1); c.686G>C, p.Gly229Ala (NM_001382580.1, NM_001382581.1); short protein forms G232A, G318A, G347A, G229A, G392A, G316A.
Identifiers: ClinVar variation 947118 (VCV000947118.10), dbSNP rs1464170461, ClinGen allele CA379193661.
Genomic context (GRCh38, chr11:4,082,919, plus strand): 5'-AGCTGGGGGCCTCATCTTTGCAGGCTGAGAAGATAAAAAAGAAGAGAAACACACTCTTTG[G>C]CACCTTCCACGTGGCCCACAGCTCTTCCCTGGATGATGTAGATCATAAAATTCTAACAGC-3'
Protein context (NP_001369496.1, residues 382-402): KIKKKRNTLF[Gly392Ala]TFHVAHSSSL

ClinVar aggregate classification (germline): Uncertain significance (1 of 4 stars; one submission).

Conditions:
Stormorken syndrome (STRMK). Also called: THROMBOCYTOPATHY, ASPLENIA, AND MIOSIS. Identifiers: Orphanet 3204, MedGen C1861451, MONDO:0008497, OMIM 185070.
Combined immunodeficiency due to STIM1 deficiency. Also called: STIM1 DEFICIENCY; IMMUNODEFICIENCY 10. Identifiers: Orphanet 169090, Orphanet 317430, MedGen C2748557, MONDO:0013008, OMIM 612783.
Myopathy with tubular aggregates (TAM). Also called: Tubular Aggregate Myopathy. Identifiers: Orphanet 2593, MedGen C0410207, MONDO:0008051.

Allele frequency attached by ClinVar (database versions not stated): gnomAD exomes below 0.00001 and 0.00001; gnomAD 0.00001; TOPMed 0.00001.
gnomAD v4.1: 7 of 1,613,944 alleles (0.00043%); highest among the groups gnomAD compares: Non-Finnish European, 0.00059%; no homozygotes.

Submission:

Labcorp Genetics (formerly Invitae), Labcorp
Classification: Uncertain significance for Myopathy with tubular aggregates; Combined immunodeficiency due to STIM1 deficiency; Stormorken syndrome. Last evaluated: 2024-08-02. Review status: criteria provided, single submitter. Criteria: Invitae Variant Classification Sherloc (09022015). Collection method: clinical testing. Allele origin: germline.
Comment: This sequence change replaces glycine, which is neutral and non-polar, with alanine, which is neutral and non-polar, at codon 392 of the STIM1 protein (p.Gly392Ala). This variant is present in population databases (no rsID available, gnomAD 0.0009%). This variant has not been reported in the literature in individuals affected with STIM1-related conditions. ClinVar contains an entry for this variant (Variation ID: 947118). Advanced modeling of protein sequence and biophysical properties (such as structural, functional, and spatial information, amino acid conservation, physicochemical variation, residue mobility, and thermodynamic stability) performed at Invitae indicates that this missense variant is expected to disrupt STIM1 protein function with a positive predictive value of 80%. In summary, the available evidence is currently insufficient to determine the role of this variant in disease. Therefore, it has been classified as a Variant of Uncertain Significance.